The following is an entry in ClinVar:

NM_020458.4(TTC7A):c.2231C>A (p.Ser744Tyr)

Gene: TTC7A (tetratricopeptide repeat domain 7A; plus strand). Cytogenetic location: 2p21.
Variant type: single nucleotide variant.
Coding change: c.2231C>A on transcript NM_020458.4 (MANE Select); coding-DNA position 2231, C replaced by A.
Protein change: p.Ser744Tyr; replaces serine 744 with tyrosine.
Molecular consequence: missense variant.
Genome position (GRCh38, 1-based): chr2:47,060,847, C>A. VCF-style: chr2-47060847-C-A. GRCh37 (hg19) VCF-style: chr2-47287986-C-A.
Other names: c.2303C>A, p.Ser768Tyr (NM_001288951.2); c.2129C>A, p.Ser710Tyr (NM_001288953.2); c.1169C>A, p.Ser390Tyr (NM_001288955.2); short protein forms S390Y, S710Y, S744Y, S768Y.
Identifiers: ClinVar variation 1039221 (VCV001039221.9), dbSNP rs759803354, ClinGen allele CA1648071.

ClinVar aggregate classification (germline): Uncertain significance (1 of 4 stars; one submission).

Conditions:
Multiple gastrointestinal atresias. Also called: Multiple intestinal atresia; FAMILIAL INTESTINAL POLYATRESIA SYNDROME. Identifiers: Orphanet 2300, MedGen C0220744, MONDO:0009465.

Allele frequency attached by ClinVar (database versions not stated): gnomAD exomes below 0.00001; ExAC 0.00001.
gnomAD v4.1: 1 of 1,614,094 alleles (0.000062%); highest among the groups gnomAD compares: Non-Finnish European, 0.000085%; no homozygotes.

Submission:

Labcorp Genetics (formerly Invitae), Labcorp
Classification: Uncertain significance for Multiple gastrointestinal atresias. Last evaluated: 2020-07-22. Review status: criteria provided, single submitter. Criteria: Invitae Variant Classification Sherloc (09022015). Collection method: clinical testing. Allele origin: germline.
Comment: In summary, the available evidence is currently insufficient to determine the role of this variant in disease. Therefore, it has been classified as a Variant of Uncertain Significance. Algorithms developed to predict the effect of missense changes on protein structure and function are either unavailable or do not agree on the potential impact of this missense change (SIFT: "Deleterious"; PolyPhen-2: "Probably Damaging"; Align-GVGD: "Class C0"). This variant has not been reported in the literature in individuals with TTC7A-related conditions. This variant is present in population databases (rs759803354, ExAC 0.002%). This sequence change replaces serine with tyrosine at codon 744 of the TTC7A protein (p.Ser744Tyr). The serine residue is moderately conserved and there is a large physicochemical difference between serine and tyrosine.